The following is an entry in ClinVar:

ClinVar aggregate classification (germline): Uncertain significance (1 of 4 stars; one submission).

Allele frequency attached by ClinVar (database versions not stated): gnomAD exomes 0.00001.
gnomAD v4.1: 10 of 1,614,172 alleles (0.00062%); highest among the groups gnomAD compares: African/African-American, 0.0013%; no homozygotes.

Submission:

Labcorp Genetics (formerly Invitae), Labcorp
Classification: Uncertain significance. Last evaluated: 2024-12-02. Review status: criteria provided, single submitter. Criteria: Invitae Variant Classification Sherloc (09022015). Collection method: clinical testing. Allele origin: germline.
Comment: This sequence change replaces leucine, which is neutral and non-polar, with phenylalanine, which is neutral and non-polar, at codon 1098 of the DUOX2 protein (p.Leu1098Phe). This variant is not present in population databases (gnomAD no frequency). This variant has not been reported in the literature in individuals affected with DUOX2-related conditions. ClinVar contains an entry for this variant (Variation ID: 1975457). Invitae Evidence Modeling of protein sequence and biophysical properties (such as structural, functional, and spatial information, amino acid conservation, physicochemical variation, residue mobility, and thermodynamic stability) indicates that this missense variant is expected to disrupt DUOX2 protein function with a positive predictive value of 80%. In summary, the available evidence is currently insufficient to determine the role of this variant in disease. Therefore, it has been classified as a Variant of Uncertain Significance.

NM_001363711.2(DUOX2):c.3294G>T (p.Leu1098Phe)

Gene: DUOX2 (dual oxidase 2; minus strand). Cytogenetic location: 15q21.1.
Variant type: single nucleotide variant.
Coding change: c.3294G>T on transcript NM_001363711.2 (MANE Select); coding-DNA position 3294, G replaced by T.
Protein change: p.Leu1098Phe; replaces leucine 1098 with phenylalanine.
Molecular consequence: missense variant.
Genome position (GRCh38, 1-based): chr15:45,099,783, C>A on the plus strand (G>T on the coding strand, the complement: DUOX2 is on the minus strand). VCF-style: chr15-45099783-C-A. GRCh37 (hg19) VCF-style: chr15-45391981-C-A.
Other names: c.3294G>T, p.Leu1098Phe (NM_014080.5); short protein forms L1098F.
Identifiers: ClinVar variation 1975457 (VCV001975457.5), dbSNP rs2504750050, ClinGen allele CA392260465.